The following is an entry in ClinVar:

ClinVar aggregate classification (germline): Conflicting classifications of pathogenicity. Review status: criteria provided, conflicting classifications (1 of 4 stars). 8 submissions from 7 submitters: Uncertain significance (3); Likely benign (2). 3 of the submissions do not count toward it. Last evaluated 2026-09-25.

Conditions:
LAMA1-related disorder. Also called: LAMA1-related disorders; LAMA1-related condition.
Optic atrophy. Identifiers: MedGen C0029124, MONDO:0003608, HP:0000648.
Retinal dystrophy. Also called: Inherited retinal dystrophy. Identifiers: Orphanet 71862, MedGen C0854723, MeSH D058499, MONDO:0019118, HP:0000556.

Allele frequency attached by ClinVar (database versions not stated): gnomAD 0.00036 and 0.00037; gnomAD exomes 0.00032 and 0.00043; 1000 Genomes Project 0.00040; ExAC 0.00038; TOPMed 0.00044; 1000 Genomes Project 30x 0.00047; ESP Exome Variant Server 0.00008.
gnomAD v4.1: 534 of 1,614,120 alleles (0.033%); highest among the groups gnomAD compares: Middle Eastern, 0.13%; no homozygotes.

Submissions (8):

GeneDx
Classification: Uncertain significance. Last evaluated: 2026-09-25. Review status: criteria provided, single submitter. Criteria: GeneDx Variant Classification Process June 2021. Collection method: clinical testing. Allele origin: germline.
Comment: In silico analysis suggests that this missense variant does not alter protein structure/function; Has not been previously published as pathogenic or benign to our knowledge

Mayo Clinic Laboratories, Mayo Clinic
Classification: Likely benign. Last evaluated: 2025-08-04. Review status: criteria provided, single submitter. Criteria: ACMG Guidelines, 2015. Collection method: clinical testing. Allele origin: germline. Observed: 1 variant allele.
Comment: BS1, BP4_strong

Blueprint Genetics
Classification: Likely benign. Last evaluated: 2024-11-13. Review status: criteria provided, single submitter. Criteria: ACMG Guidelines, 2015. Collection method: clinical testing. Allele origin: germline.

Labcorp Genetics (formerly Invitae), Labcorp
Classification: Uncertain significance. Last evaluated: 2024-10-15. Review status: criteria provided, single submitter. Criteria: Invitae Variant Classification Sherloc (09022015). Collection method: clinical testing. Allele origin: germline.
Comment: This sequence change replaces threonine, which is neutral and polar, with methionine, which is neutral and non-polar, at codon 1930 of the LAMA1 protein (p.Thr1930Met). This variant is present in population databases (rs142286229, gnomAD 0.2%). This variant has not been reported in the literature in individuals affected with LAMA1-related conditions. ClinVar contains an entry for this variant (Variation ID: 1362252). Invitae Evidence Modeling of protein sequence and biophysical properties (such as structural, functional, and spatial information, amino acid conservation, physicochemical variation, residue mobility, and thermodynamic stability) indicates that this missense variant is expected to disrupt LAMA1 protein function with a positive predictive value of 80%. In summary, the available evidence is currently insufficient to determine the role of this variant in disease. Therefore, it has been classified as a Variant of Uncertain Significance.

Breakthrough Genomics
Classification: Uncertain significance. Review status: criteria provided, single submitter. Criteria: ACMG Guidelines, 2015. Collection method: not provided. Allele origin: germline. Inheritance: Autosomal recessive inheritance. Affected: yes.

Institute of Human Genetics, Univ. Regensburg, Univ. Regensburg
Classification: Uncertain significance for Optic atrophy. Last evaluated: 2023-01-01. Review status: no assertion criteria provided. Criteria: ACMG Guidelines, 2015. Collection method: clinical testing. Allele origin: germline. Affected: yes. Not counted in ClinVar's aggregate classification.

Institute of Human Genetics, Univ. Regensburg, Univ. Regensburg
Classification: Uncertain significance for Retinal dystrophy. Last evaluated: 2023-01-01. Review status: no assertion criteria provided. Criteria: ACMG Guidelines, 2015. Collection method: clinical testing. Allele origin: germline. Affected: yes. Not counted in ClinVar's aggregate classification.

PreventionGenetics, part of Exact Sciences
Classification: Likely benign for LAMA1-related condition. Last evaluated: 2022-05-09. Review status: no assertion criteria provided. Collection method: clinical testing. Allele origin: germline. Not counted in ClinVar's aggregate classification.
Comment: This variant is classified as likely benign based on ACMG/AMP sequence variant interpretation guidelines (Richards et al. 2015 PMID: 25741868, with internal and published modifications).

NM_005559.4(LAMA1):c.5789C>T (p.Thr1930Met)

Gene: LAMA1 (laminin subunit alpha 1; minus strand). Cytogenetic location: 18p11.31.
Variant type: single nucleotide variant.
Coding change: c.5789C>T on transcript NM_005559.4 (MANE Select); coding-DNA position 5789, C replaced by T.
Protein change: p.Thr1930Met; replaces threonine 1930 with methionine.
Molecular consequence: missense variant.
Genome position (GRCh38, 1-based): chr18:6,983,106, G>A on the plus strand (C>T on the coding strand, the complement: LAMA1 is on the minus strand). VCF-style: chr18-6983106-G-A. GRCh37 (hg19) VCF-style: chr18-6983105-G-A.
Other names: p.Thr1930Met; c.5789C>T (NM_005559.3); short protein forms T1930M.
Identifiers: ClinVar variation 1362252 (VCV001362252.11), dbSNP rs142286229, ClinGen allele CA8881494.